The following is an entry in ClinVar:

ClinVar aggregate classification (germline): Uncertain significance (1 of 4 stars; one submission).

Conditions:
Developmental and epileptic encephalopathy, 32 (DEE32). Also called: Epileptic encephalopathy, early infantile, 32. Identifiers: Orphanet 442835, MedGen C4225350, MONDO:0014607, OMIM 616366.

Allele frequency attached by ClinVar (database versions not stated): gnomAD exomes below 0.00001.
gnomAD v4.1: 1 of 1,614,206 alleles (0.000062%); highest among the groups gnomAD compares: Non-Finnish European, 0.000085%; no homozygotes.

Submission:

Labcorp Genetics (formerly Invitae), Labcorp
Classification: Uncertain significance for Developmental and epileptic encephalopathy, 32. Last evaluated: 2021-11-01. Review status: criteria provided, single submitter. Criteria: Invitae Variant Classification Sherloc (09022015). Collection method: clinical testing. Allele origin: germline.
Comment: In summary, the available evidence is currently insufficient to determine the role of this variant in disease. Therefore, it has been classified as a Variant of Uncertain Significance. Advanced modeling of protein sequence and biophysical properties (such as structural, functional, and spatial information, amino acid conservation, physicochemical variation, residue mobility, and thermodynamic stability) performed at Invitae indicates that this missense variant is not expected to disrupt KCNA2 protein function. ClinVar contains an entry for this variant (Variation ID: 998665). This variant has not been reported in the literature in individuals affected with KCNA2-related conditions. This variant is present in population databases (no rsID available, gnomAD 0.0009%). This sequence change replaces alanine, which is neutral and non-polar, with threonine, which is neutral and polar, at codon 122 of the KCNA2 protein (p.Ala122Thr).

NM_004974.4(KCNA2):c.364G>A (p.Ala122Thr)

Gene: KCNA2 (potassium voltage-gated channel subfamily A member 2; minus strand). Cytogenetic location: 1p13.3.
Variant type: single nucleotide variant.
Coding change: c.364G>A on transcript NM_004974.4 (MANE Select); coding-DNA position 364, G replaced by A.
Protein change: p.Ala122Thr; replaces alanine 122 with threonine.
Molecular consequence: missense variant.
Genome position (GRCh38, 1-based): chr1:110,604,419, C>T on the plus strand (G>A on the coding strand, the complement: KCNA2 is on the minus strand). VCF-style: chr1-110604419-C-T. GRCh37 (hg19) VCF-style: chr1-111147041-C-T.
Other names: c.364G>A, p.Ala122Thr (NM_001204269.2); short protein forms A122T.
Identifiers: ClinVar variation 998665 (VCV000998665.9), dbSNP rs1366378482, ClinGen allele CA341605731.